The following is an entry in ClinVar:

ClinVar aggregate classification (germline): Uncertain significance (1 of 4 stars; one submission).

Submission:

Labcorp Genetics (formerly Invitae), Labcorp
Classification: Uncertain significance. Last evaluated: 2021-05-02. Review status: criteria provided, single submitter. Criteria: Invitae Variant Classification Sherloc (09022015). Collection method: clinical testing. Allele origin: germline.
Comment: In summary, the available evidence is currently insufficient to determine the role of this variant in disease. Therefore, it has been classified as a Variant of Uncertain Significance. This variant is not present in population databases (ExAC no frequency). This variant has not been reported in the literature in individuals with POLE-related conditions. Algorithms developed to predict the effect of missense changes on protein structure and function (SIFT, PolyPhen-2, Align-GVGD) all suggest that this variant is likely to be tolerated, but these predictions have not been confirmed by published functional studies and their clinical significance is uncertain. This sequence change replaces glycine with arginine at codon 1314 of the POLE protein (p.Gly1314Arg). The glycine residue is moderately conserved and there is a moderate physicochemical difference between glycine and arginine.

NM_006231.4(POLE):c.3940G>C (p.Gly1314Arg)

Gene: POLE (DNA polymerase epsilon, catalytic subunit; minus strand). Cytogenetic location: 12q24.33.
Variant type: single nucleotide variant.
Coding change: c.3940G>C on transcript NM_006231.4 (MANE Select); coding-DNA position 3940, G replaced by C.
Protein change: p.Gly1314Arg; replaces glycine 1314 with arginine.
Molecular consequence: missense variant.
Genome position (GRCh38, 1-based): chr12:132,649,371, C>G on the plus strand (G>C on the coding strand, the complement: POLE is on the minus strand). VCF-style: chr12-132649371-C-G. GRCh37 (hg19) VCF-style: chr12-133225957-C-G.
Other names: short protein forms G1314R.
Identifiers: ClinVar variation 1392514 (VCV001392514.8), dbSNP rs2138606612, ClinGen allele CA387385010.